The following is an entry in ClinVar:

ClinVar aggregate classification (germline): Uncertain significance. Review status: criteria provided, multiple submitters, no conflicts (2 of 4 stars). 2 submissions from 2 submitters: Uncertain significance (2). Last evaluated 2025-08-06.

Conditions:
Inborn genetic diseases. Identifiers: MedGen C0950123, MeSH D030342.

Allele frequency attached by ClinVar (database versions not stated): TOPMed 0.00006; ESP Exome Variant Server 0.00031.

Submissions (2):

Labcorp Genetics (formerly Invitae), Labcorp
Classification: Uncertain significance. Last evaluated: 2025-08-06. Review status: criteria provided, single submitter. Criteria: Invitae Variant Classification Sherloc (09022015). Collection method: clinical testing. Allele origin: germline.
Comment: This sequence change replaces proline, which is neutral and non-polar, with serine, which is neutral and polar, at codon 216 of the FBLN5 protein (p.Pro216Ser). This variant is present in population databases (rs147365284, gnomAD 0.08%). This variant has not been reported in the literature in individuals affected with FBLN5-related conditions. ClinVar contains an entry for this variant (Variation ID: 1518702). Invitae Evidence Modeling of protein sequence and biophysical properties (such as structural, functional, and spatial information, amino acid conservation, physicochemical variation, residue mobility, and thermodynamic stability) indicates that this missense variant is not expected to disrupt FBLN5 protein function with a negative predictive value of 80%. In summary, the available evidence is currently insufficient to determine the role of this variant in disease. Therefore, it has been classified as a Variant of Uncertain Significance.

Ambry Genetics
Classification: Uncertain significance for Inborn genetic diseases. Last evaluated: 2023-04-13. Review status: criteria provided, single submitter. Criteria: Ambry Variant Classification Scheme 2023. Collection method: clinical testing. Allele origin: germline.

NM_006329.4(FBLN5):c.646C>T (p.Pro216Ser)

Gene: FBLN5 (fibulin 5; minus strand). Cytogenetic location: 14q32.12.
Variant type: single nucleotide variant.
Coding change: c.646C>T on transcript NM_006329.4 (MANE Select); coding-DNA position 646, C replaced by T.
Protein change: p.Pro216Ser; replaces proline 216 with serine.
Molecular consequence: missense variant.
Genome position (GRCh38, 1-based): chr14:91,887,286, G>A on the plus strand (C>T on the coding strand, the complement: FBLN5 is on the minus strand). VCF-style: chr14-91887286-G-A. GRCh37 (hg19) VCF-style: chr14-92353630-G-A.
Other names: c.769C>T, p.Pro257Ser (NM_001384158.1); c.697C>T, p.Pro233Ser (NM_001384159.1); c.646C>T, p.Pro216Ser (NM_001384160.1); c.478C>T, p.Pro160Ser (NM_001384161.1, NM_001384162.1); c.646C>T (NM_006329.3); short protein forms P233S, P257S, P216S, P160S.
Identifiers: ClinVar variation 1518702 (VCV001518702.7), dbSNP rs147365284, ClinGen allele CA7312770.